The following is an entry in ClinVar:

NM_001009944.3(PKD1):c.10720G>C (p.Gly3574Arg)

Genes: PKD1 (polycystin 1, transient receptor potential channel interacting; minus strand), PKD1-AS1 (PKD1 antisense RNA 1; plus strand). Cytogenetic location: 16p13.3.
Variant type: single nucleotide variant.
Coding change: c.10720G>C on transcript NM_001009944.3 (MANE Select); coding-DNA position 10720, G replaced by C.
Protein change: p.Gly3574Arg; replaces glycine 3574 with arginine.
Molecular consequence: missense variant.
Genome position (GRCh38, 1-based): chr16:2,093,912, C>G on the plus strand (G>C on the coding strand, the complement: PKD1 is on the minus strand). VCF-style: chr16-2093912-C-G. GRCh37 (hg19) VCF-style: chr16-2143913-C-G.
Other names: c.10717G>C, p.Gly3573Arg (NM_000296.4); short protein forms G3573R, G3574R.
Identifiers: ClinVar variation 3066374 (VCV003066374.2), dbSNP rs2544651044, ClinGen allele CA394340500.

ClinVar aggregate classification (germline): Uncertain significance. Review status: criteria provided, multiple submitters, no conflicts (2 of 4 stars). 2 submissions from 2 submitters: Uncertain significance (2). Last evaluated 2024-09-12.

Conditions:
Polycystic kidney disease, adult type (PKD1). Also called: Polycystic Kidney, Autosomal Dominant; POLYCYSTIC KIDNEY DISEASE 1 WITH OR WITHOUT POLYCYSTIC LIVER DISEASE; Polycystic Kidney Disease 1, Autosomal Dominant; Polycystic kidney disease 1; Polycystic kidney disease 1, severe; POLYCYSTIC KIDNEY DISEASE, ADULT, TYPE I. Identifiers: MedGen C3149841, MONDO:0008263, OMIM 173900.

gnomAD v4.1: 1 of 1,581,838 alleles (0.000063%); no homozygotes.

Submissions (2):

GeneDx
Classification: Uncertain significance. Last evaluated: 2024-09-12. Review status: criteria provided, single submitter. Criteria: GeneDx Variant Classification Process June 2021. Collection method: clinical testing. Allele origin: germline. Affected: yes.
Comment: Not observed at significant frequency in large population cohorts (gnomAD); In silico analysis indicates that this missense variant does not alter protein structure/function; In silico analysis suggests this variant may impact gene splicing. In the absence of RNA/functional studies, the actual effect of this sequence change is unknown.; Has not been previously published as pathogenic or benign to our knowledge

MVZ Medizinische Genetik Mainz
Classification: Uncertain significance for Polycystic kidney disease, adult type. Last evaluated: 2023-01-20. Review status: criteria provided, single submitter. Criteria: UK Practice Guidelines For Variant Classification V4 01 2020. Collection method: clinical testing. Allele origin: germline. Inheritance: Autosomal dominant inheritance. Affected: yes. Observed: 1 variant allele.
Comment: ACMG Criteria: PM2_SUP (ACMG Version 4)